The following is an entry in ClinVar:

ClinVar aggregate classification (germline): Uncertain significance (1 of 4 stars; one submission).

Conditions:
Aicardi-Goutieres syndrome 7 (AGS7). Identifiers: Orphanet 51, MedGen C3888244, MONDO:0014367, OMIM 615846.
Singleton-Merten syndrome 1 (SGMRT1). Also called: Widened medullary cavities of bone, aortic calcification, abnormal dentition, and muscular weakness; Syndrome of widened medullary cavities of the metacarpals and phalanges, aortic calcification and abnormal dentition. Identifiers: Orphanet 85191, MedGen C4225427, MONDO:0024535, OMIM 182250.

Allele frequency attached by ClinVar (database versions not stated): TOPMed below 0.00001.
gnomAD v4.1: 32 of 1,608,044 alleles (0.002%); highest among the groups gnomAD compares: South Asian, 0.031%; no homozygotes.

Submission:

Labcorp Genetics (formerly Invitae), Labcorp
Classification: Uncertain significance for Aicardi-Goutieres syndrome 7; Singleton-Merten syndrome 1. Last evaluated: 2024-02-24. Review status: criteria provided, single submitter. Criteria: Invitae Variant Classification Sherloc (09022015). Collection method: clinical testing. Allele origin: germline.
Comment: This sequence change falls in intron 13 of the IFIH1 gene. It does not directly change the encoded amino acid sequence of the IFIH1 protein. It affects a nucleotide within the consensus splice site. This variant is present in population databases (rs761784724, gnomAD 0.05%), and has an allele count higher than expected for a pathogenic variant. This variant has not been reported in the literature in individuals affected with IFIH1-related conditions. ClinVar contains an entry for this variant (Variation ID: 852801). Variants that disrupt the consensus splice site are a relatively common cause of aberrant splicing (PMID: 17576681, 9536098). Algorithms developed to predict the effect of sequence changes on RNA splicing suggest that this variant is not likely to affect RNA splicing. In summary, the available evidence is currently insufficient to determine the role of this variant in disease. Therefore, it has been classified as a Variant of Uncertain Significance.

Literature cited by the submitters: PubMed 17576681; PubMed 9536098.

NM_022168.4(IFIH1):c.2616+6G>A

Gene: IFIH1 (interferon induced with helicase C domain 1; minus strand). Cytogenetic location: 2q24.2.
Variant type: single nucleotide variant.
Coding change: c.2616+6G>A on transcript NM_022168.4 (MANE Select); 6 bases into the intron after coding-DNA position 2616, G replaced by A.
Molecular consequence: intron variant.
Genome position (GRCh38, 1-based): chr2:162,272,220, C>T on the plus strand (G>A on the coding strand, the complement: IFIH1 is on the minus strand). VCF-style: chr2-162272220-C-T. GRCh37 (hg19) VCF-style: chr2-163128730-C-T.
Identifiers: ClinVar variation 852801 (VCV000852801.9), dbSNP rs761784724, ClinGen allele CA1934129.
Genomic context (GRCh38, chr2:162,272,220, plus strand): 5'-ATATCAATGGCAACCACATGCCGCCATTTTTAAATGAAAATCAAATTCAGAGGTGACCAA[C>T]AATACCTTATGAGCATACTCCTCTGGTTTCATATTTTGAACACAATGTATAGCTTTATAC-3'